The following is an entry in ClinVar:

ClinVar aggregate classification (germline): Uncertain significance (1 of 4 stars; one submission).

Conditions:
Dyskeratosis congenita. Identifiers: Orphanet 1775, MedGen C0265965, MONDO:0015780.

gnomAD v4.1: 2 of 1,594,232 alleles (0.00013%); highest among the groups gnomAD compares: African/African-American, 0.0013%; no homozygotes.

Submission:

Ambry Genetics
Classification: Uncertain significance for Dyskeratosis congenita. Last evaluated: 2024-12-10. Review status: criteria provided, single submitter. Criteria: Ambry Variant Classification Scheme 2023. Collection method: clinical testing. Allele origin: germline.
Comment: The p.L289V variant (also known as c.865C>G), located in coding exon 2 of the TERT gene, results from a C to G substitution at nucleotide position 865. The leucine at codon 289 is replaced by valine, an amino acid with highly similar properties. This amino acid position is conserved. In addition, this alteration is predicted to be tolerated by in silico analysis. Based on the available evidence, the clinical significance of this variant remains unclear.

NM_198253.3(TERT):c.865C>G (p.Leu289Val)

Gene: TERT (telomerase reverse transcriptase; minus strand). Cytogenetic location: 5p15.33.
Variant type: single nucleotide variant.
Coding change: c.865C>G on transcript NM_198253.3 (MANE Select); coding-DNA position 865, C replaced by G.
Protein change: p.Leu289Val; replaces leucine 289 with valine.
Molecular consequence: missense variant. On other transcripts: non-coding transcript variant (2).
Genome position (GRCh38, 1-based): chr5:1,294,021, G>C on the plus strand (C>G on the coding strand, the complement: TERT is on the minus strand). VCF-style: chr5-1294021-G-C. GRCh37 (hg19) VCF-style: chr5-1294136-G-C.
Other names: c.865C>G, p.Leu289Val (NM_001193376.3); short protein forms L289V.
Identifiers: ClinVar variation 3455228 (VCV003455228.1).